The following is an entry in ClinVar:

ClinVar aggregate classification (germline): Uncertain significance (1 of 4 stars; one submission).

Conditions:
Isolated microphthalmia 2. Identifiers: Orphanet 2542, MedGen C1864720, MONDO:0012409, OMIM 610093.

Submission:

Labcorp Genetics (formerly Invitae), Labcorp
Classification: Uncertain significance for Isolated microphthalmia 2. Last evaluated: 2022-03-03. Review status: criteria provided, single submitter. Criteria: Invitae Variant Classification Sherloc (09022015). Collection method: clinical testing. Allele origin: germline.
Comment: This sequence change replaces arginine, which is basic and polar, with lysine, which is basic and polar, at codon 268 of the VSX2 protein (p.Arg268Lys). This variant is not present in population databases (gnomAD no frequency). This variant has not been reported in the literature in individuals affected with VSX2-related conditions. ClinVar contains an entry for this variant (Variation ID: 536259). Algorithms developed to predict the effect of missense changes on protein structure and function (SIFT, PolyPhen-2, Align-GVGD) all suggest that this variant is likely to be tolerated. In summary, the available evidence is currently insufficient to determine the role of this variant in disease. Therefore, it has been classified as a Variant of Uncertain Significance.

NM_182894.3(VSX2):c.803G>A (p.Arg268Lys)

Gene: VSX2 (visual system homeobox 2; plus strand). Cytogenetic location: 14q24.3.
Variant type: single nucleotide variant.
Coding change: c.803G>A on transcript NM_182894.3 (MANE Select); coding-DNA position 803, G replaced by A.
Protein change: p.Arg268Lys; replaces arginine 268 with lysine.
Molecular consequence: missense variant.
Genome position (GRCh38, 1-based): chr14:74,260,636, G>A. VCF-style: chr14-74260636-G-A. GRCh37 (hg19) VCF-style: chr14-74727339-G-A.
Other names: short protein forms R268K.
Identifiers: ClinVar variation 536259 (VCV000536259.6), dbSNP rs1311702446, ClinGen allele CA390370178.
Genomic context (GRCh38, chr14:74,260,636, plus strand): 5'-ACCAACAATTCTTTCTAGGGATGCACAAAAAGTCGCTGGAGGCAGCAGCCGAGTCGGGGA[G>A]GAAGCCCGAGGGGGAACGCCAGGCCCTGCCCAAGCTCGACAAGATGGAGCAGGACGAGCG-3'
Protein context (NP_878314.1, residues 258-278): KSLEAAAESG[Arg268Lys]KPEGERQALP